The following is an entry in ClinVar:

NM_001814.6(CTSC):c.1023C>G (p.Tyr341Ter)

Gene: CTSC (cathepsin C; minus strand). Cytogenetic location: 11q14.2.
Variant type: single nucleotide variant.
Coding change: c.1023C>G on transcript NM_001814.6 (MANE Select); coding-DNA position 1023, C replaced by G.
Protein change: p.Tyr341Ter; replaces tyrosine 341 with a stop codon.
Molecular consequence: nonsense.
Genome position (GRCh38, 1-based): chr11:88,294,375, G>C on the plus strand (C>G on the coding strand, the complement: CTSC is on the minus strand). VCF-style: chr11-88294375-G-C. GRCh37 (hg19) VCF-style: chr11-88027543-G-C.
Other names: short protein forms Y341*.
Identifiers: ClinVar variation 4786854 (VCV004786854.1).

ClinVar aggregate classification (germline): Pathogenic (1 of 4 stars; one submission).

Conditions:
Periodontitis, aggressive. Identifiers: MedGen C0031106, MONDO:0980757.
Haim-Munk syndrome (HMS). Also called: COCHIN JEWISH DISORDER; KERATOSIS PALMOPLANTARIS WITH PERIODONTOPATHIA AND ONYCHOGRYPOSIS. Identifiers: Orphanet 2342, MedGen C1855627, MONDO:0009491, OMIM 245010.
Papillon-Lefèvre syndrome (PALS). Also called: Papillon-Lefevre Disease; KERATOSIS PALMOPLANTARIS WITH PERIODONTOPATHIA. Identifiers: Orphanet 678, MedGen C0030360, MONDO:0009490, OMIM 245000.

Submission:

Labcorp Genetics (formerly Invitae), Labcorp
Classification: Pathogenic for Haim-Munk syndrome; Periodontitis, aggressive; Papillon-Lefèvre syndrome. Last evaluated: 2025-11-28. Review status: criteria provided, single submitter. Criteria: Invitae Variant Classification Sherloc (09022015). Collection method: clinical testing. Allele origin: germline.
Comment: This sequence change creates a premature translational stop signal (p.Tyr341*) in the CTSC gene. While this is not anticipated to result in nonsense mediated decay, it is expected to disrupt the last 123 amino acid(s) of the CTSC protein. This variant is not present in population databases (gnomAD no frequency). This variant has not been reported in the literature in individuals affected with CTSC-related conditions. This variant disrupts a region of the CTSC protein in which other variant(s) (p.Trp429*) have been determined to be pathogenic (PMID: 10593994, 11106356, 28242153, 29410039). This suggests that this is a clinically significant region of the protein, and that variants that disrupt it are likely to be disease-causing. For these reasons, this variant has been classified as Pathogenic.

Literature cited by the submitters: PubMed 10593994; PubMed 11106356; PubMed 28242153; PubMed 29410039.